The following is an entry in ClinVar:

ClinVar aggregate classification (germline): Likely benign. Review status: criteria provided, multiple submitters, no conflicts (2 of 4 stars). 3 submissions from 3 submitters: Likely benign (2). 1 of the submissions does not count toward it. Last evaluated 2026-02-03.

Conditions:
EGFR-related disorder. Also called: EGFR-related condition.
Hereditary cancer-predisposing syndrome. Also called: Neoplastic Syndromes, Hereditary; Tumor predisposition; Hereditary neoplastic syndrome; Hereditary Cancer Syndrome. Identifiers: Orphanet 140162, MedGen C0027672, MeSH D009386, MONDO:0015356.
EGFR-related lung cancer (EGFR). Identifiers: MedGen CN130014.

Allele frequency attached by ClinVar (database versions not stated): gnomAD exomes below 0.00001 and 0.00003; gnomAD 0.00001 and 0.00002; TOPMed 0.00001; ExAC 0.00004; 1000 Genomes Project 30x 0.00031; 1000 Genomes Project 0.00040.
gnomAD v4.1: 16 of 1,614,196 alleles (0.00099%); highest among the groups gnomAD compares: East Asian, 0.011%; no homozygotes.

Submissions (3):

Labcorp Genetics (formerly Invitae), Labcorp
Classification: Likely benign for EGFR-related lung cancer. Last evaluated: 2026-02-03. Review status: criteria provided, single submitter. Criteria: Invitae Variant Classification Sherloc (09022015). Collection method: clinical testing. Allele origin: germline.

Ambry Genetics
Classification: Likely benign for Hereditary cancer-predisposing syndrome. Last evaluated: 2024-11-22. Review status: criteria provided, single submitter. Criteria: Ambry Variant Classification Scheme 2023. Collection method: clinical testing. Allele origin: germline.

PreventionGenetics, part of Exact Sciences
Classification: Likely benign for EGFR-related condition. Last evaluated: 2024-01-05. Review status: no assertion criteria provided. Collection method: clinical testing. Allele origin: germline. Not counted in ClinVar's aggregate classification.
Comment: This variant is classified as likely benign based on ACMG/AMP sequence variant interpretation guidelines (Richards et al. 2015 PMID: 25741868, with internal and published modifications).

NM_005228.5(EGFR):c.1281C>T (p.Arg427=)

Gene: EGFR (epidermal growth factor receptor; plus strand). Cytogenetic location: 7p11.2.
Variant type: single nucleotide variant.
Coding change: c.1281C>T on transcript NM_005228.5 (MANE Select); coding-DNA position 1281, C replaced by T.
Protein change: p.Arg427=; no amino-acid change (arginine 427 retained).
Molecular consequence: synonymous variant.
Genome position (GRCh38, 1-based): chr7:55,157,736, C>T. VCF-style: chr7-55157736-C-T. GRCh37 (hg19) VCF-style: chr7-55225429-C-T.
Other names: c.1281C>T (NM_005228.4); c.1146C>T, p.Arg382= (NM_001346897.2, NM_001346899.2); c.1281C>T, p.Arg427= (NM_001346898.2, NM_201282.2, NM_201284.2); c.1122C>T, p.Arg374= (NM_001346900.2); c.480C>T, p.Arg160= (NM_001346941.2).
Identifiers: ClinVar variation 360457 (VCV000360457.15), dbSNP rs367896493, ClinGen allele CA4265540.